The following is an entry in ClinVar:

NM_000245.4(MET):c.2555T>C (p.Met852Thr)

Gene: MET (MET proto-oncogene, receptor tyrosine kinase; plus strand). Cytogenetic location: 7q31.2.
Variant type: single nucleotide variant.
Coding change: c.2555T>C on transcript NM_000245.4 (MANE Select); coding-DNA position 2555, T replaced by C.
Protein change: p.Met852Thr; replaces methionine 852 with threonine.
Molecular consequence: missense variant.
Genome position (GRCh38, 1-based): chr7:116,763,240, T>C. VCF-style: chr7-116763240-T-C. GRCh37 (hg19) VCF-style: chr7-116403294-T-C.
Other names: c.2609T>C, p.Met870Thr (NM_001127500.3); c.2555T>C, p.Met852Thr (NM_001324401.3); c.1265T>C, p.Met422Thr (NM_001324402.2); short protein forms M852T, M870T, M422T.
Identifiers: ClinVar variation 1438566 (VCV001438566.11), dbSNP rs369758288, ClinGen allele CA164897902.

ClinVar aggregate classification (germline): Conflicting classifications of pathogenicity. Review status: criteria provided, conflicting classifications (1 of 4 stars). 4 submissions from 4 submitters: Uncertain significance (3); Likely benign (1). Last evaluated 2025-10-23.

Conditions:
Hereditary cancer-predisposing syndrome. Also called: Neoplastic Syndromes, Hereditary; Hereditary Cancer Syndrome; Hereditary neoplastic syndrome; Tumor predisposition. Identifiers: Orphanet 140162, MedGen C0027672, MeSH D009386, MONDO:0015356.
Renal cell carcinoma. Identifiers: Orphanet 217071, MedGen C0007134, MeSH D002292, MONDO:0005086, HP:0005584.
Autosomal recessive nonsyndromic hearing loss 97. Also called: Deafness, autosomal recessive 97. Identifiers: Orphanet 90636, MedGen C4084709, MONDO:0014739, OMIM 616705.

gnomAD v4.1: 5 of 1,613,826 alleles (0.00031%); highest among the groups gnomAD compares: Non-Finnish European, 0.00034%; no homozygotes.

Submissions (4):

Labcorp Genetics (formerly Invitae), Labcorp
Classification: Uncertain significance for Renal cell carcinoma. Last evaluated: 2025-10-23. Review status: criteria provided, single submitter. Criteria: Invitae Variant Classification Sherloc (09022015). Collection method: clinical testing. Allele origin: germline.
Comment: This sequence change replaces methionine, which is neutral and non-polar, with threonine, which is neutral and polar, at codon 870 of the MET protein (p.Met870Thr). This variant is not present in population databases (gnomAD no frequency). This variant has not been reported in the literature in individuals affected with MET-related conditions. ClinVar contains an entry for this variant (Variation ID: 1438566). An algorithm developed to predict the effect of missense changes on protein structure and function (PolyPhen-2) suggests that this variant is likely to be tolerated. In summary, the available evidence is currently insufficient to determine the role of this variant in disease. Therefore, it has been classified as a Variant of Uncertain Significance.

Ambry Genetics
Classification: Likely benign for Hereditary cancer-predisposing syndrome. Last evaluated: 2025-01-15. Review status: criteria provided, single submitter. Criteria: Ambry Variant Classification Scheme 2023. Collection method: clinical testing. Allele origin: germline.

Baylor Genetics
Classification: Uncertain significance for Autosomal recessive nonsyndromic hearing loss 97. Last evaluated: 2023-09-07. Review status: criteria provided, single submitter. Criteria: ACMG Guidelines, 2015. Collection method: clinical testing. Allele origin: unknown.

GeneDx
Classification: Uncertain significance. Last evaluated: 2023-07-18. Review status: criteria provided, single submitter. Criteria: GeneDx Variant Classification Process June 2021. Collection method: clinical testing. Allele origin: germline. Affected: yes.
Comment: Not observed at significant frequency in large population cohorts (gnomAD); In silico analysis supports that this missense variant does not alter protein structure/function; Has not been previously published as pathogenic or benign to our knowledge